The following is an entry in ClinVar:

NM_000426.4(LAMA2):c.6960A>T (p.Glu2320Asp)

Gene: LAMA2 (laminin subunit alpha 2; plus strand). Cytogenetic location: 6q22.33.
Variant type: single nucleotide variant.
Coding change: c.6960A>T on transcript NM_000426.4 (MANE Select); coding-DNA position 6960, A replaced by T.
Protein change: p.Glu2320Asp; replaces glutamic acid 2320 with aspartic acid.
Molecular consequence: missense variant.
Genome position (GRCh38, 1-based): chr6:129,460,292, A>T. VCF-style: chr6-129460292-A-T. GRCh37 (hg19) VCF-style: chr6-129781437-A-T.
Other names: c.6960A>T, p.Glu2320Asp (NM_001079823.2); short protein forms E2320D.
Identifiers: ClinVar variation 2197296 (VCV002197296.2), dbSNP rs1021643646, ClinGen allele CA146888608.
Genomic context (GRCh38, chr6:129,460,292, plus strand): 5'-TGGCTGCATGGGAGAAACATACTTTGACAACAAACCTATAGGTTTGTGGAATTTCCGAGA[A>T]AAAGAAGGTGACTGCAAAGGATGCACTGTCAGGTTAGTTGAGATGAGAACTCTCCCAGGG-3'
Protein context (NP_000417.3, residues 2310-2330): NKPIGLWNFR[Glu2320Asp]KEGDCKGCTV

ClinVar aggregate classification (germline): Uncertain significance. Review status: criteria provided, multiple submitters, no conflicts (2 of 4 stars). 2 submissions from 2 submitters: Uncertain significance (2). Last evaluated 2025-02-01.

Conditions:
LAMA2-related muscular dystrophy (LAMA2-RD). Also called: Laminin alpha 2-related dystrophy. Identifiers: MedGen C5679788, MONDO:0100228.
Inborn genetic diseases. Identifiers: MedGen C0950123, MeSH D030342.

Allele frequency attached by ClinVar (database versions not stated): gnomAD exomes below 0.00001; gnomAD 0.00001; TOPMed 0.00002.
gnomAD v4.1: 3 of 1,612,248 alleles (0.00019%); highest among the groups gnomAD compares: Admixed American, 0.0017%; no homozygotes.

Submissions (2):

Ambry Genetics
Classification: Uncertain significance for Inborn genetic diseases. Last evaluated: 2025-02-01. Review status: criteria provided, single submitter. Criteria: Ambry Variant Classification Scheme 2023. Collection method: clinical testing. Allele origin: germline.

Labcorp Genetics (formerly Invitae), Labcorp
Classification: Uncertain significance for LAMA2-related muscular dystrophy. Last evaluated: 2021-09-17. Review status: criteria provided, single submitter. Criteria: Invitae Variant Classification Sherloc (09022015). Collection method: clinical testing. Allele origin: germline.
Comment: This sequence change replaces glutamic acid with aspartic acid at codon 2320 of the LAMA2 protein (p.Glu2320Asp). The glutamic acid residue is weakly conserved and there is a small physicochemical difference between glutamic acid and aspartic acid. This variant is not present in population databases (ExAC no frequency). This variant has not been reported in the literature in individuals affected with LAMA2-related conditions. Advanced modeling of protein sequence and biophysical properties (such as structural, functional, and spatial information, amino acid conservation, physicochemical variation, residue mobility, and thermodynamic stability) performed at Invitae indicates that this missense variant is not expected to disrupt LAMA2 protein function. In summary, the available evidence is currently insufficient to determine the role of this variant in disease. Therefore, it has been classified as a Variant of Uncertain Significance.